The following is an entry in ClinVar:

ClinVar aggregate classification (germline): Uncertain significance (1 of 4 stars; one submission).

Allele frequency attached by ClinVar (database versions not stated): gnomAD exomes below 0.00001.
gnomAD v4.1: 1 of 1,614,104 alleles (0.000062%); highest among the groups gnomAD compares: Non-Finnish European, 0.000085%; no homozygotes.

Submission:

CeGaT Center for Human Genetics Tuebingen
Classification: Uncertain significance. Last evaluated: 2023-07-01. Review status: criteria provided, single submitter. Criteria: CeGaT Center For Human Genetics Tuebingen Variant Classification Criteria Version 2. Collection method: clinical testing. Allele origin: germline. Affected: yes. Observed: 1 variant allele.
Comment: GRM1: PM2

NM_001278064.2(GRM1):c.895C>T (p.Leu299Phe)

Gene: GRM1 (glutamate metabotropic receptor 1; plus strand). Cytogenetic location: 6q24.3.
Variant type: single nucleotide variant.
Coding change: c.895C>T on transcript NM_001278064.2 (MANE Select); coding-DNA position 895, C replaced by T.
Protein change: p.Leu299Phe; replaces leucine 299 with phenylalanine.
Molecular consequence: missense variant.
Genome position (GRCh38, 1-based): chr6:146,159,542, C>T. VCF-style: chr6-146159542-C-T. GRCh37 (hg19) VCF-style: chr6-146480678-C-T.
Other names: c.895C>T, p.Leu299Phe (NM_001278065.2, NM_001278066.1, NM_001278067.1); short protein forms L299F.
Identifiers: ClinVar variation 2656971 (VCV002656971.24), dbSNP rs2483046637, ClinGen allele CA366191125.